The following is an entry in ClinVar:

NM_022124.6(CDH23):c.2019G>A (p.Lys673=)

Gene: CDH23 (cadherin related 23; plus strand). Cytogenetic location: 10q22.1.
Variant type: single nucleotide variant.
Coding change: c.2019G>A on transcript NM_022124.6 (MANE Select); coding-DNA position 2019, G replaced by A.
Protein change: p.Lys673=; no amino-acid change (lysine 673 retained).
Molecular consequence: synonymous variant.
Genome position (GRCh38, 1-based): chr10:71,687,679, G>A. VCF-style: chr10-71687679-G-A. GRCh37 (hg19) VCF-style: chr10-73447436-G-A.
Other names: c.2019G>A, p.Lys673= (NM_001171930.2, NM_001171931.2).
Identifiers: ClinVar variation 4999029 (VCV004999029.1).

ClinVar aggregate classification (germline): Likely benign (1 of 4 stars; one submission).

Conditions:
CDH23-related disorder. Also called: CDH23-related condition; CDH23-related disorders.

Submission:

PreventionGenetics, part of Exact Sciences
Classification: Likely benign for CDH23-related condition. Last evaluated: 2025-06-19. Review status: criteria provided, single submitter. Criteria: ACMG Guidelines, 2015. Collection method: clinical testing. Allele origin: germline.
Comment: This variant is classified as likely benign based on ACMG/AMP sequence variant interpretation guidelines (Richards et al. 2015 PMID: 25741868, with internal and published modifications).